The following is an entry in ClinVar:

ClinVar aggregate classification (germline): Uncertain significance (1 of 4 stars; one submission).

gnomAD v4.1: 3 of 1,613,946 alleles (0.00019%); highest among the groups gnomAD compares: Non-Finnish European, 0.00025%; no homozygotes.

Submission:

GeneDx
Classification: Uncertain significance. Last evaluated: 2025-05-27. Review status: criteria provided, single submitter. Criteria: GeneDx Variant Classification Process June 2021. Collection method: clinical testing. Allele origin: germline. Affected: yes.
Comment: Not observed at significant frequency in large population cohorts (gnomAD); In silico analysis suggests that this missense variant does not alter protein structure/function; Has not been previously published as pathogenic or benign to our knowledge

NM_001394998.1(TANC2):c.4700A>G (p.Gln1567Arg)

Gene: TANC2 (tetratricopeptide repeat, ankyrin repeat and coiled-coil containing 2; plus strand). Cytogenetic location: 17q23.3.
Variant type: single nucleotide variant.
Coding change: c.4700A>G on transcript NM_001394998.1 (MANE Select); coding-DNA position 4700, A replaced by G.
Protein change: p.Gln1567Arg; replaces glutamine 1567 with arginine.
Molecular consequence: missense variant.
Genome position (GRCh38, 1-based): chr17:63,420,430, A>G. VCF-style: chr17-63420430-A-G. GRCh37 (hg19) VCF-style: chr17-61497791-A-G.
Other names: c.4478A>G, p.Gln1493Arg (NM_001411076.1); c.4448A>G, p.Gln1483Arg (NM_025185.4); short protein forms Q1483R, Q1493R, Q1567R.
Identifiers: ClinVar variation 4536305 (VCV004536305.1).
Genomic context (GRCh38, chr17:63,420,430, plus strand): 5'-ATCAGGTTTTTGACTTCCGGTCCAGTAGTTCTGTAGGCTCTCCCACTAGACAGACCTATC[A>G]GTCCACCTCACCTGCCCTTTCTCCAACTCATCAGAACTCACATTACAGGCCTAGCCCACC-3'
Protein context (NP_001381927.1, residues 1557-1577): SVGSPTRQTY[Gln1567Arg]STSPALSPTH